The following is an entry in ClinVar:

NM_000059.4(BRCA2):c.3452dup (p.Thr1154fs)

Gene: BRCA2 (BRCA2 DNA repair associated; plus strand). Cytogenetic location: 13q13.1.
Variant type: Duplication.
Coding change: c.3452dup on transcript NM_000059.4 (MANE Select); coding-DNA position 3452, one base duplicated (T; older notation c.3452dupT).
Protein change: p.Thr1154fs; shifts the reading frame from threonine 1154.
Molecular consequence: frameshift variant.
Genome position (GRCh38, 1-based): chr13:32,337,807, T duplicated. VCF-style (leftmost placement, unchanged base first): chr13-32337806-A-AT. GRCh37 (hg19) VCF-style: chr13-32911943-A-AT.
Other names: c.3452dupT (NM_000059.3); short protein forms T1154fs.
Identifiers: ClinVar variation 51468 (VCV000051468.5), dbSNP rs397507669, ClinGen allele CA018072.
Genomic context (GRCh38, chr13:32,337,806, plus strand): 5'-AGAAAACCAAGCTACATATTGCAGAAGAGTACATTTGAAGTGCCTGAAAACCAGATGACT[A>AT]TCTTAAAGACCACTTCTGAGGAATGCAGAGATGCTGATCTTCATGTCATAATGAATGCCC-3'

ClinVar aggregate classification (germline): Pathogenic. Review status: reviewed by expert panel (3 of 4 stars). 2 submissions from 2 submitters: Pathogenic (1). 1 of the submissions does not count toward it. Last evaluated 2016-09-08.

Conditions:
Breast-ovarian cancer, familial, susceptibility to, 2 (BROVCA2). Also called: BRCA2 Hereditary Breast and Ovarian Cancer. Identifiers: Orphanet 145, MedGen C2675520, MONDO:0012933, OMIM 612555. Disease mechanism: loss of function.

Submissions (2):

Evidence-based Network for the Interpretation of Germline Mutant Alleles (ENIGMA)
Classification: Pathogenic for Breast-ovarian cancer, familial, susceptibility to, 2. Last evaluated: 2016-09-08. Review status: reviewed by expert panel. Criteria: ENIGMA BRCA1/2 Classification Criteria (2015). Collection method: curation. Allele origin: germline.
Comment: Variant allele predicted to encode a truncated non-functional protein.

Consortium of Investigators of Modifiers of BRCA1/2 (CIMBA), c/o University of Cambridge
Classification: Pathogenic for Breast-ovarian cancer, familial, susceptibility to, 2. Last evaluated: 2015-10-02. Review status: criteria provided, single submitter. Criteria: CIMBA Mutation Classification guidelines May 2016. Collection method: clinical testing. Allele origin: germline. Not counted in ClinVar's aggregate classification.